The following is an entry in ClinVar:

ClinVar aggregate classification (germline): Pathogenic (1 of 4 stars; one submission).

Submission:

Labcorp Genetics (formerly Invitae), Labcorp
Classification: Pathogenic. Last evaluated: 2020-03-26. Review status: criteria provided, single submitter. Criteria: Invitae Variant Classification Sherloc (09022015). Collection method: clinical testing. Allele origin: germline.
Comment: For these reasons, this variant has been classified as Pathogenic. This variant disrupts the C-terminus of the GDF1 protein. Other variant(s) that disrupt this region (p.Val304Argfs*48) have been determined to be pathogenic (PMID: 20413652). This suggests that variants that disrupt this region of the protein are likely to be causative of disease. This variant has not been reported in the literature in individuals with GDF1-related conditions. The frequency data for this variant in the population databases is considered unreliable, as metrics indicate insufficient coverage at this position in the ExAC database. This sequence change results in a premature translational stop signal in the GDF1 gene (p.Leu248Profs*104). While this is not anticipated to result in nonsense mediated decay, it is expected to disrupt the last 125 amino acids of the GDF1 protein.

Literature cited by the submitters: PubMed 20413652.

NM_001492.6(GDF1):c.742dup (p.Leu248fs)

Genes: CERS1 (ceramide synthase 1; minus strand), GDF1 (growth differentiation factor 1; minus strand). Cytogenetic location: 19p13.11.
Variant type: Duplication.
Coding change: c.742dup on transcript NM_001492.6 (MANE Select); coding-DNA position 742, one base duplicated (C; older notation c.742dupC).
Protein change: p.Leu248fs; shifts the reading frame from leucine 248.
Molecular consequence: frameshift variant. On other transcripts: 3 prime UTR variant (2).
Genome position (GRCh38, 1-based): chr19:18,868,974, G duplicated on the plus strand (C on the coding strand, the reverse complement: GDF1 is on the minus strand); the first of 5 consecutive G bases (chr19:18,868,974-18,868,978); duplicating any one gives the same sequence. VCF-style (leftmost placement, unchanged base first): chr19-18868973-A-AG. GRCh37 (hg19) VCF-style: chr19-18979782-A-AG.
Other names: c.*1603dup (NM_001387440.1); c.*1011dup (NM_021267.5); c.742dup, p.Leu248fs (NM_001387438.1); short protein forms L248fs.
Identifiers: ClinVar variation 1074441 (VCV001074441.9), dbSNP rs938987727, ClinGen allele CA632627050.